The following is an entry in ClinVar:

NM_000297.4(PKD2):c.207C>T (p.Ala69=)

Genes: PKD2 (polycystin 2, transient receptor potential cation channel; plus strand), LOC129992813 (ATAC-STARR-seq lymphoblastoid silent region 15559; plus strand). Cytogenetic location: 4q22.1.
Variant type: single nucleotide variant.
Coding change: c.207C>T on transcript NM_000297.4 (MANE Select); coding-DNA position 207, C replaced by T.
Protein change: p.Ala69=; no amino-acid change (alanine 69 retained).
Molecular consequence: synonymous variant. On other transcripts: non-coding transcript variant (1).
Genome position (GRCh38, 1-based): chr4:88,007,940, C>T. VCF-style: chr4-88007940-C-T. GRCh37 (hg19) VCF-style: chr4-88929092-C-T.
Other names: c.207C>T, p.Ala69= (NM_001440544.1).
Identifiers: ClinVar variation 4991758 (VCV004991758.1).

ClinVar aggregate classification (germline): Likely benign (1 of 4 stars; one submission).

Conditions:
PKD2-related disorder. Also called: PKD2-related condition.

gnomAD v4.1: 5 of 1,463,638 alleles (0.00034%); highest among the groups gnomAD compares: South Asian, 0.0026%; no homozygotes.

Submission:

PreventionGenetics, part of Exact Sciences
Classification: Likely benign for PKD2-related condition. Last evaluated: 2026-08-09. Review status: criteria provided, single submitter. Criteria: ACMG Guidelines, 2015. Collection method: clinical testing. Allele origin: germline.
Comment: This variant is classified as likely benign based on ACMG/AMP sequence variant interpretation guidelines (Richards et al. 2015 PMID: 25741868, with internal and published modifications).